The following is an entry in ClinVar:

ClinVar aggregate classification (germline): Uncertain significance (1 of 4 stars; one submission).

Allele frequency attached by ClinVar (database versions not stated): ExAC 0.00001; gnomAD 0.00001; TOPMed 0.00002.
gnomAD v4.1: 13 of 1,595,878 alleles (0.00081%); highest among the groups gnomAD compares: Admixed American, 0.0067%; no homozygotes.

Submission:

Labcorp Genetics (formerly Invitae), Labcorp
Classification: Uncertain significance. Last evaluated: 2023-07-17. Review status: criteria provided, single submitter. Criteria: Invitae Variant Classification Sherloc (09022015). Collection method: clinical testing. Allele origin: germline.
Comment: In summary, the available evidence is currently insufficient to determine the role of this variant in disease. Therefore, it has been classified as a Variant of Uncertain Significance. Algorithms developed to predict the effect of missense changes on protein structure and function output the following: SIFT: "Not Available"; PolyPhen-2: "Benign"; Align-GVGD: "Not Available". The serine amino acid residue is found in multiple mammalian species, which suggests that this missense change does not adversely affect protein function. ClinVar contains an entry for this variant (Variation ID: 2136832). This variant has not been reported in the literature in individuals affected with ADAMTS13-related conditions. This variant is present in population databases (rs782223061, gnomAD 0.02%). This sequence change replaces alanine, which is neutral and non-polar, with serine, which is neutral and polar, at codon 901 of the ADAMTS13 protein (p.Ala901Ser).

NM_139027.6(ADAMTS13):c.2701G>T (p.Ala901Ser)

Gene: ADAMTS13 (ADAM metallopeptidase with thrombospondin type 1 motif 13; plus strand). Cytogenetic location: 9q34.2.
Variant type: single nucleotide variant.
Coding change: c.2701G>T on transcript NM_139027.6 (MANE Select); coding-DNA position 2701, G replaced by T.
Protein change: p.Ala901Ser; replaces alanine 901 with serine.
Molecular consequence: missense variant. On other transcripts: non-coding transcript variant (1).
Genome position (GRCh38, 1-based): chr9:133,445,789, G>T. VCF-style: chr9-133445789-G-T. GRCh37 (hg19) VCF-style: chr9-136310910-G-T.
Other names: c.2701G>T, p.Ala901Ser (NM_139025.5); c.2608G>T, p.Ala870Ser (NM_139026.6); short protein forms A901S, A870S.
Identifiers: ClinVar variation 2136832 (VCV002136832.2), dbSNP rs782223061, ClinGen allele CA200936835.